The following is an entry in ClinVar:

NM_015909.4(NBAS):c.410G>A (p.Arg137Gln)

Gene: NBAS (NBAS subunit of NRZ tethering complex; minus strand). Cytogenetic location: 2p24.3.
Variant type: single nucleotide variant.
Coding change: c.410G>A on transcript NM_015909.4 (MANE Select); coding-DNA position 410, G replaced by A.
Protein change: p.Arg137Gln; replaces arginine 137 with glutamine.
Molecular consequence: missense variant. On other transcripts: non-coding transcript variant (1).
Genome position (GRCh38, 1-based): chr2:15,539,326, C>T on the plus strand (G>A on the coding strand, the complement: NBAS is on the minus strand). VCF-style: chr2-15539326-C-T. GRCh37 (hg19) VCF-style: chr2-15679450-C-T.
Other names: short protein forms R137Q.
Identifiers: ClinVar variation 1436258 (VCV001436258.5), dbSNP rs753745199, ClinGen allele CA1537060.
Genomic context (GRCh38, chr2:15,539,326, plus strand): 5'-CTCACAGTTCCTGTGCTTTCGGCATAGGCCAGTAGGGTACAATCGTAACTCCATGCTACC[C>T]GTCTCCACTGGGGTTTCGGGTCTTTCGGAACTAGAACAAAAGAAAACAAGAGGTGCTTCT-3'
Protein context (NP_056993.2, residues 127-147): VPKDPKPQWR[Arg137Gln]VAWSYDCTLL

ClinVar aggregate classification (germline): Uncertain significance (1 of 4 stars; one submission).

Allele frequency attached by ClinVar (database versions not stated): ExAC 0.00001; gnomAD exomes below 0.00001; gnomAD 0.00001.
gnomAD v4.1: 5 of 1,614,118 alleles (0.00031%); highest among the groups gnomAD compares: Non-Finnish European, 0.00017%; no homozygotes.

Submission:

Labcorp Genetics (formerly Invitae), Labcorp
Classification: Uncertain significance. Last evaluated: 2021-09-01. Review status: criteria provided, single submitter. Criteria: Invitae Variant Classification Sherloc (09022015). Collection method: clinical testing. Allele origin: germline.
Comment: This sequence change replaces arginine with glutamine at codon 137 of the NBAS protein (p.Arg137Gln). The arginine residue is highly conserved and there is a small physicochemical difference between arginine and glutamine. This variant is present in population databases (rs753745199, ExAC 0.01%). This variant has not been reported in the literature in individuals affected with NBAS-related conditions. Algorithms developed to predict the effect of missense changes on protein structure and function are either unavailable or do not agree on the potential impact of this missense change (SIFT: "Deleterious"; PolyPhen-2: "Benign"; Align-GVGD: "Class C35"). This variant disrupts the p.Arg137 amino acid residue in NBAS. Other variant(s) that disrupt this residue have been determined to be pathogenic (PMID: 26286438, 26578240). This suggests that this residue is clinically significant, and that variants that disrupt this residue are likely to be disease-causing. In summary, the available evidence is currently insufficient to determine the role of this variant in disease. Therefore, it has been classified as a Variant of Uncertain Significance.

Literature cited by the submitters: PubMed 26286438; PubMed 26578240.